The following is an entry in ClinVar:

NM_005188.4(CBL):c.826G>A (p.Glu276Lys)

Gene: CBL (Cbl proto-oncogene; plus strand). Cytogenetic location: 11q23.3.
Variant type: single nucleotide variant.
Coding change: c.826G>A on transcript NM_005188.4 (MANE Select); coding-DNA position 826, G replaced by A.
Protein change: p.Glu276Lys; replaces glutamic acid 276 with lysine.
Molecular consequence: missense variant.
Genome position (GRCh38, 1-based): chr11:119,274,910, G>A. VCF-style: chr11-119274910-G-A. GRCh37 (hg19) VCF-style: chr11-119145620-G-A.
Other names: short protein forms E276K.
Identifiers: ClinVar variation 1474582 (VCV001474582.6), dbSNP rs755244263, ClinGen allele CA6318348.

ClinVar aggregate classification (germline): Uncertain significance (1 of 4 stars; one submission).

Conditions:
RASopathy. Also called: rasopathies; Noonan spectrum disorder. Identifiers: Orphanet 536391, MedGen C5555857, MONDO:0021060.

Allele frequency attached by ClinVar (database versions not stated): gnomAD exomes 0.00001; TOPMed below 0.00001; ExAC 0.00001; gnomAD 0.00001.
gnomAD v4.1: 4 of 1,613,970 alleles (0.00025%); highest among the groups gnomAD compares: Admixed American, 0.0033%; no homozygotes.

Submission:

Labcorp Genetics (formerly Invitae), Labcorp
Classification: Uncertain significance for RASopathy. Last evaluated: 2025-10-07. Review status: criteria provided, single submitter. Criteria: Invitae Variant Classification Sherloc (09022015). Collection method: clinical testing. Allele origin: germline.
Comment: This sequence change replaces glutamic acid, which is acidic and polar, with lysine, which is basic and polar, at codon 276 of the CBL protein (p.Glu276Lys). This variant is present in population databases (rs755244263, gnomAD 0.006%). This variant has not been reported in the literature in individuals affected with CBL-related conditions. ClinVar contains an entry for this variant (Variation ID: 1474582). Invitae Evidence Modeling of protein sequence and biophysical properties (such as structural, functional, and spatial information, amino acid conservation, physicochemical variation, residue mobility, and thermodynamic stability) indicates that this missense variant is expected to disrupt CBL protein function with a positive predictive value of 95%. In summary, the available evidence is currently insufficient to determine the role of this variant in disease. Therefore, it has been classified as a Variant of Uncertain Significance.